The following is an entry in ClinVar:

NM_022662.4(ANAPC1):c.1247C>T (p.Thr416Met)

Gene: ANAPC1 (anaphase promoting complex subunit 1; minus strand). Cytogenetic location: 2q13.
Variant type: single nucleotide variant.
Coding change: c.1247C>T on transcript NM_022662.4 (MANE Select); coding-DNA position 1247, C replaced by T.
Protein change: p.Thr416Met; replaces threonine 416 with methionine.
Molecular consequence: missense variant.
Genome position (GRCh38, 1-based): chr2:111,862,404, G>A on the plus strand (C>T on the coding strand, the complement: ANAPC1 is on the minus strand). VCF-style: chr2-111862404-G-A. GRCh37 (hg19) VCF-style: chr2-112619981-G-A.
Other names: short protein forms T416M.
Identifiers: ClinVar variation 4853759 (VCV004853759.1).

ClinVar aggregate classification (germline): Uncertain significance (1 of 4 stars; one submission).

Submission:

Women's Health and Genetics/Laboratory Corporation of America, LabCorp
Classification: Uncertain significance. Last evaluated: 2026-05-20. Review status: criteria provided, single submitter. Criteria: LabCorp Variant Classification Summary - May 2015. Collection method: clinical testing. Allele origin: germline.
Comment: Variant summary: ANAPC1 c.1247C>T (p.Thr416Met) results in a non-conservative amino acid change in the encoded protein sequence. Algorithms developed to predict the effect of missense changes on protein structure and function are either unavailable or do not agree on the potential impact of this missense change. The frequency data for this variant in gnomAD is considered unreliable, as metrics indicate poor data quality at this position. To our knowledge, no occurrence of c.1247C>T in individuals affected with ANAPC1-related conditions and no experimental evidence demonstrating its impact on protein function have been reported. No submitters have cited clinical-significance assessments for this variant to ClinVar. Based on the evidence outlined above, the variant was classified as uncertain significance.